The following is an entry in ClinVar:

ClinVar aggregate classification (germline): Uncertain significance (1 of 4 stars; one submission).

Conditions:
Neurodevelopmental disorder with hypotonia, dysmorphic facies, and skeletal anomalies, with or without seizures (NEDFSS). Also called: TRPM3-Related Neurodevelopmental Disorder. Identifiers: MedGen C5830244, MONDO:0859365, OMIM 620224.

Submission:

Victorian Clinical Genetics Services, Murdoch Childrens Research Institute
Classification: Uncertain significance for Neurodevelopmental disorder with hypotonia, dysmorphic facies, and skeletal anomalies, with or without seizures. Last evaluated: 2026-02-04. Review status: criteria provided, single submitter. Criteria: ACMG Guidelines, 2015. Collection method: clinical testing. Allele origin: germline. Affected: yes.
Comment: This variant is classified as VUS-3A. Evidence in support of pathogenic classification: Variant is absent from gnomAD (v2, v3 and v4); Missense variant predicted to be damaging by in silico tool(s) or highly conserved with a major amino acid change. Additional information: Variant is predicted to result in a missense amino acid change from Gly to Arg; This variant is heterozygous; This gene is associated with autosomal dominant disease; This variant has no previous evidence of pathogenicity; No published evidence of segregation with disease has been identified for this variant; No published functional evidence has been identified for this variant; No comparable missense variants have previous evidence for pathogenicity; Variant is located in the annotated SLOG in TRPM domain (NCBI). - Gain of function is a known mechanism of disease in this gene and is associated with neurodevelopmental disorder with hypotonia, dysmorphic facies, and skeletal anomalies, with or without seizures (MIM# 620224). Missense variants have been functionally proven to increase basal function and intracellular calcium levels (PMID: 32427099). Gain of function has also been suggested as the mechanism for cataract 50 with or without glaucoma (MIM#620253); Variants in this gene are known to have variable expressivity. Variable phenotype, including inheritance from mildly affected parents, has been described (OMIM, PMID: 36648066); Inheritance information for this variant is not currently available in this individual.

Literature cited by the submitters: PubMed 32427099; PubMed 36648066.

NM_001366145.2(TRPM3):c.643G>A (p.Gly215Arg)

Gene: TRPM3 (transient receptor potential cation channel subfamily M member 3; minus strand). Cytogenetic location: 9q21.12.
Variant type: single nucleotide variant.
Coding change: c.643G>A on transcript NM_001366145.2 (MANE Select); coding-DNA position 643, G replaced by A.
Protein change: p.Gly215Arg; replaces glycine 215 with arginine.
Molecular consequence: missense variant.
Genome position (GRCh38, 1-based): chr9:70,846,411, C>T on the plus strand (G>A on the coding strand, the complement: TRPM3 is on the minus strand). VCF-style: chr9-70846411-C-T. GRCh37 (hg19) VCF-style: chr9-73461327-C-T.
Other names: c.184G>A, p.Gly62Arg (NM_024971.7, NM_206944.5, NM_206945.5 and 6 more transcripts); c.643G>A, p.Gly215Arg (NM_001007471.4, NM_001366146.2, NM_001366147.2 and 6 more transcripts); c.649G>A, p.Gly217Arg (NM_001366141.2, NM_001366142.2, NM_001366143.2 and 1 more transcripts); short protein forms G215R, G217R, G62R.
Identifiers: ClinVar variation 4819036 (VCV004819036.1).
Genomic context (GRCh38, chr9:70,846,411, plus strand): 5'-GACTTTCTCTGTTCCACTTGCAATTACCTGTGTTAACCCCTCCAGTGAATATCCACGCTC[C>T]AGTTGTCATTGCTGCTTTGATGAGCCCTTTCCCAAAGACTTGCTTGAGTTTTGGCTGGAG-3'
Protein context (NP_001353074.1, residues 205-225): KGLIKAAMTT[Gly215Arg]AWIFTGGVNT